The following is an entry in ClinVar:

ClinVar aggregate classification (germline): Uncertain significance (1 of 4 stars; one submission).

Conditions:
Immunodeficiency 132A. Also called: Herpes simplex encephalitis, susceptibility to, 3. Identifiers: Orphanet 1930, MedGen C3553868, MONDO:0013920, OMIM 614849.

Allele frequency attached by ClinVar (database versions not stated): TOPMed 0.00001; gnomAD 0.00001.
gnomAD v4.1: 3 of 1,614,008 alleles (0.00019%); highest among the groups gnomAD compares: East Asian, 0.0045%; no homozygotes.

Submission:

Labcorp Genetics (formerly Invitae), Labcorp
Classification: Uncertain significance for Immunodeficiency 132A. Last evaluated: 2020-02-27. Review status: criteria provided, single submitter. Criteria: Invitae Variant Classification Sherloc (09022015). Collection method: clinical testing. Allele origin: germline.
Comment: This sequence change replaces lysine with glutamic acid at codon 369 of the TRAF3 protein (p.Lys369Glu). The lysine residue is highly conserved and there is a small physicochemical difference between lysine and glutamic acid. This variant is not present in population databases (ExAC no frequency). This variant has not been reported in the literature in individuals with TRAF3-related conditions. Algorithms developed to predict the effect of missense changes on protein structure and function are either unavailable or do not agree on the potential impact of this missense change (SIFT: "Deleterious"; PolyPhen-2: "Benign"; Align-GVGD: "Class C0"). In summary, the available evidence is currently insufficient to determine the role of this variant in disease. Therefore, it has been classified as a Variant of Uncertain Significance.

NM_145725.3(TRAF3):c.1105A>G (p.Lys369Glu)

Gene: TRAF3 (TNF receptor associated factor 3; plus strand). Cytogenetic location: 14q32.32.
Variant type: single nucleotide variant.
Coding change: c.1105A>G on transcript NM_145725.3 (MANE Select); coding-DNA position 1105, A replaced by G.
Protein change: p.Lys369Glu; replaces lysine 369 with glutamic acid.
Molecular consequence: missense variant.
Genome position (GRCh38, 1-based): chr14:102,903,399, A>G. VCF-style: chr14-102903399-A-G. GRCh37 (hg19) VCF-style: chr14-103369736-A-G.
Other names: c.856A>G, p.Lys286Glu (NM_001199427.2); c.964A>G, p.Lys322Glu (NM_001385142.1); c.1024A>G, p.Lys342Glu (NM_001385143.1); c.1105A>G, p.Lys369Glu (NM_003300.4); c.1030A>G, p.Lys344Glu (NM_145726.3); short protein forms K286E, K322E, K342E, K344E, K369E.
Identifiers: ClinVar variation 1008380 (VCV001008380.9), dbSNP rs1254992985, ClinGen allele CA391074868.
Genomic context (GRCh38, chr14:102,903,399, plus strand): 5'-AGCATGAAGAGCAGCGTGGAGTCCCTCCAGAACCGCGTGACCGAGCTGGAGAGCGTGGAC[A>G]AGAGCGCGGGGCAAGTGGCTCGGAACACAGGTGAGGCAGGGGCCGGGGCCGGGCCAGCAG-3'
Protein context (NP_663777.1, residues 359-379): NRVTELESVD[Lys369Glu]SAGQVARNTG